The following is an entry in ClinVar:

ClinVar aggregate classification (germline): Likely pathogenic. Review status: criteria provided, multiple submitters, no conflicts (2 of 4 stars). 2 submissions from 2 submitters: Likely pathogenic (2). Last evaluated 2025-12-03.

Conditions:
Hereditary cancer-predisposing syndrome. Also called: Neoplastic Syndromes, Hereditary; Tumor predisposition; Hereditary Cancer Syndrome; Hereditary neoplastic syndrome. Identifiers: Orphanet 140162, MedGen C0027672, MeSH D009386, MONDO:0015356.

Submissions (2):

Labcorp Genetics (formerly Invitae), Labcorp
Classification: Likely pathogenic. Last evaluated: 2025-12-03. Review status: criteria provided, single submitter. Criteria: Invitae Variant Classification Sherloc (09022015). Collection method: clinical testing. Allele origin: germline.
Comment: This sequence change affects a donor splice site in intron 16 of the MSH3 gene. It is expected to disrupt RNA splicing. Variants that disrupt the donor or acceptor splice site typically lead to a loss of protein function (PMID: 16199547), and loss-of-function variants in MSH3 are known to be pathogenic (PMID: 27476653, 37402566). This variant is not present in population databases (gnomAD no frequency). This variant has not been reported in the literature in individuals affected with MSH3-related conditions. Algorithms developed to predict the effect of sequence changes on RNA splicing suggest that this variant may disrupt the consensus splice site. In summary, the currently available evidence indicates that the variant is pathogenic, but additional data are needed to prove that conclusively. Therefore, this variant has been classified as Likely Pathogenic.

Ambry Genetics
Classification: Likely pathogenic for Hereditary cancer-predisposing syndrome. Last evaluated: 2025-10-17. Review status: criteria provided, single submitter. Criteria: Ambry Variant Classification Scheme 2023. Collection method: clinical testing. Allele origin: germline.
Comment: The c.2318+1G>C intronic variant results from a G to C substitution one nucleotide after coding exon 16 of the MSH3 gene. This nucleotide position is highly conserved in available vertebrate species. In silico splice site analysis predicts that this alteration will weaken the native splice donor site. RNA studies have demonstrated that this alteration results in abnormal splicing in the set of samples tested (Ambry internal data). This variant is considered to be rare based on population cohorts in the Genome Aggregation Database (gnomAD). Alterations that disrupt the canonical splice site are expected to cause aberrant splicing, resulting in an abnormal protein or a transcript that is subject to nonsense-mediated mRNA decay. As such, this alteration is classified as likely pathogenic.

Literature cited by the submitters: PubMed 16199547 (cited by Labcorp Genetics (formerly Invitae), Labcorp); PubMed 27476653 (cited by Labcorp Genetics (formerly Invitae), Labcorp); PubMed 37402566 (cited by Labcorp Genetics (formerly Invitae), Labcorp).

NM_002439.5(MSH3):c.2318+1G>C

Gene: MSH3 (mutS homolog 3; plus strand). Cytogenetic location: 5q14.1.
Variant type: single nucleotide variant.
Coding change: c.2318+1G>C on transcript NM_002439.5 (MANE Select); the canonical splice donor site of the intron after coding-DNA position 2318, G replaced by C.
Molecular consequence: splice donor variant.
Genome position (GRCh38, 1-based): chr5:80,775,759, G>C. VCF-style: chr5-80775759-G-C. GRCh37 (hg19) VCF-style: chr5-80071578-G-C.
Identifiers: ClinVar variation 4654359 (VCV004654359.2).